The following is an entry in ClinVar:

NM_001845.6(COL4A1):c.3905G>C (p.Gly1302Ala)

Gene: COL4A1 (collagen type IV alpha 1 chain; minus strand). Cytogenetic location: 13q34.
Variant type: single nucleotide variant.
Coding change: c.3905G>C on transcript NM_001845.6 (MANE Select); coding-DNA position 3905, G replaced by C.
Protein change: p.Gly1302Ala; replaces glycine 1302 with alanine.
Molecular consequence: missense variant.
Genome position (GRCh38, 1-based): chr13:110,167,202, C>G on the plus strand (G>C on the coding strand, the complement: COL4A1 is on the minus strand). VCF-style: chr13-110167202-C-G. GRCh37 (hg19) VCF-style: chr13-110819549-C-G.
Other names: short protein forms G1302A.
Identifiers: ClinVar variation 870799 (VCV000870799.45), dbSNP rs1877385413, ClinGen allele CA388661319.
Genomic context (GRCh38, chr13:110,167,202, plus strand): 5'-GTCTGTGCTGTCTTACCTTGAAATCCTGGAACTCCTGGAGGCCCCATATCACCCTTAGAG[C>G]CTGTGATTCCTGGAGAGCCACCAATACCCTAGACACGCAAAGAGGAGGTTGGGAATTGCT-3'
Protein context (NP_001836.3, residues 1292-1312): PGIGGSPGIT[Gly1302Ala]SKGDMGPPGV

ClinVar aggregate classification (germline): Conflicting classifications of pathogenicity. Review status: criteria provided, conflicting classifications (1 of 4 stars). 2 submissions from 2 submitters: Likely pathogenic (1); Uncertain significance (1). Last evaluated 2022-07-20.

Submissions (2):

Labcorp Genetics (formerly Invitae), Labcorp
Classification: Likely pathogenic. Last evaluated: 2022-07-20. Review status: criteria provided, single submitter. Criteria: Invitae Variant Classification Sherloc (09022015). Collection method: clinical testing. Allele origin: germline.
Comment: In summary, the currently available evidence indicates that the variant is pathogenic, but additional data are needed to prove that conclusively. Therefore, this variant has been classified as Likely Pathogenic. This variant disrupts the triple helix domain of COL4A1. Glycine residues within the Gly-Xaa-Yaa repeats of the triple helix domain are required for the structure and stability of fibrillar collagens (PMID: 7695699, 8218237, 19344236). In COL4A1 variants affecting these glycine residues are significantly enriched in individuals with disease (PMID: 9016532, 17078022) compared to the general population (ExAC). Advanced modeling of protein sequence and biophysical properties (such as structural, functional, and spatial information, amino acid conservation, physicochemical variation, residue mobility, and thermodynamic stability) performed at Invitae indicates that this missense variant is expected to disrupt COL4A1 protein function. This variant has not been reported in the literature in individuals affected with COL4A1-related conditions. This variant is not present in population databases (gnomAD no frequency). This sequence change replaces glycine, which is neutral and non-polar, with alanine, which is neutral and non-polar, at codon 1302 of the COL4A1 protein (p.Gly1302Ala).

CeGaT Center for Human Genetics Tuebingen
Classification: Uncertain significance. Last evaluated: 2019-12-01. Review status: criteria provided, single submitter. Criteria: CeGaT Center For Human Genetics Tuebingen Variant Classification Criteria Version 2. Collection method: clinical testing. Allele origin: germline. Affected: yes. Observed: 3 variant alleles.

Literature cited by the submitters: PubMed 7695699 (cited by Labcorp Genetics (formerly Invitae), Labcorp); PubMed 8218237 (cited by Labcorp Genetics (formerly Invitae), Labcorp); PubMed 19344236 (cited by Labcorp Genetics (formerly Invitae), Labcorp); PubMed 9016532 (cited by Labcorp Genetics (formerly Invitae), Labcorp); PubMed 17078022 (cited by Labcorp Genetics (formerly Invitae), Labcorp).